The following is an entry in ClinVar:

ClinVar aggregate classification (germline): Likely benign (1 of 4 stars; one submission).

Allele frequency attached by ClinVar (database versions not stated): gnomAD 0.00613 and 0.00515; gnomAD exomes 0.00205.

Submission:

GeneDx
Classification: Likely benign. Last evaluated: 2017-12-06. Review status: criteria provided, single submitter. Criteria: GeneDx Variant Classification (06012015). Collection method: clinical testing. Allele origin: germline. Affected: yes.
Comment: This variant is considered likely benign or benign based on one or more of the following criteria: it is a conservative change, it occurs at a poorly conserved position in the protein, it is predicted to be benign by multiple in silico algorithms, and/or has population frequency not consistent with disease.

NM_001164508.2(NEB):c.15960C>T (p.Tyr5320=)

Gene: NEB (nebulin; minus strand). Cytogenetic location: 2q23.3.
Variant type: single nucleotide variant.
Coding change: c.15960C>T on transcript NM_001164508.2 (MANE Select); coding-DNA position 15960, C replaced by T.
Protein change: p.Tyr5320=; no amino-acid change (tyrosine 5320 retained).
Molecular consequence: synonymous variant. On other transcripts: intron variant (1).
Genome position (GRCh38, 1-based): chr2:151,583,470, G>A on the plus strand (C>T on the coding strand, the complement: NEB is on the minus strand). VCF-style: chr2-151583470-G-A. GRCh37 (hg19) VCF-style: chr2-152439984-G-A.
Other names: c.15960C>T, p.Tyr5320= (NM_001164507.2, NM_001271208.2); c.11602-7116C>T (NM_004543.5).
Identifiers: ClinVar variation 509196 (VCV000509196.1), dbSNP rs1201277571, ClinGen allele CA429226334.